The following is an entry in ClinVar:

ClinVar aggregate classification (germline): Uncertain significance (1 of 4 stars; one submission).

Conditions:
Inborn genetic diseases. Identifiers: MedGen C0950123, MeSH D030342.

gnomAD v4.1: 12 of 1,598,574 alleles (0.00075%); highest among the groups gnomAD compares: East Asian, 0.027%; no homozygotes.

Submission:

Ambry Genetics
Classification: Uncertain significance for Inborn genetic diseases. Last evaluated: 2025-05-27. Review status: criteria provided, single submitter. Criteria: Ambry Variant Classification Scheme 2023. Collection method: clinical testing. Allele origin: germline.
Comment: The c.454-3C>G intronic alteration consists of a C to G substitution 3 nucleotides before exon 5 of the WDR4 gene. Based on insufficient or conflicting evidence, the clinical significance of this alteration remains unclear.

NM_018669.6(WDR4):c.454-3C>G

Gene: WDR4 (WDR4 tRNA N7-guanosine methyltransferase non-catalytic subunit; minus strand). Cytogenetic location: 21q22.3.
Variant type: single nucleotide variant.
Coding change: c.454-3C>G on transcript NM_018669.6 (MANE Select); 3 bases into the intron before coding-DNA position 454, C replaced by G.
Molecular consequence: intron variant.
Genome position (GRCh38, 1-based): chr21:42,862,397, G>C on the plus strand (C>G on the coding strand, the complement: WDR4 is on the minus strand). VCF-style: chr21-42862397-G-C. GRCh37 (hg19) VCF-style: chr21-44282507-G-C.
Other names: c.454-3C>G (NM_033661.5, NM_001260474.2); c.16-3C>G (NM_001260476.2, NM_001260475.2, NM_001260477.2).
Identifiers: ClinVar variation 3980993 (VCV003980993.1).